The following is an entry in ClinVar:

NM_005902.4(SMAD3):c.724C>G (p.Gln242Glu)

Gene: SMAD3 (SMAD family member 3; plus strand). Cytogenetic location: 15q22.33.
Variant type: single nucleotide variant.
Coding change: c.724C>G on transcript NM_005902.4 (MANE Select); coding-DNA position 724, C replaced by G.
Protein change: p.Gln242Glu; replaces glutamine 242 with glutamic acid.
Molecular consequence: missense variant.
Genome position (GRCh38, 1-based): chr15:67,181,306, C>G. VCF-style: chr15-67181306-C-G. GRCh37 (hg19) VCF-style: chr15-67473644-C-G.
Other names: c.409C>G, p.Gln137Glu (NM_001145102.2, NM_001407016.1); c.592C>G, p.Gln198Glu (NM_001145103.2, NM_001407012.1); c.139C>G, p.Gln47Glu (NM_001145104.2, NM_001407017.1); c.724C>G, p.Gln242Glu (NM_001407011.1, NM_001407013.1); c.577C>G, p.Gln193Glu (NM_001407014.1); c.277C>G, p.Gln93Glu (NM_001407015.1); short protein forms Q137E, Q193E, Q198E, Q242E, Q47E, Q93E.
Identifiers: ClinVar variation 3894075 (VCV003894075.1).

ClinVar aggregate classification (germline): Uncertain significance (1 of 4 stars; one submission).

Conditions:
Familial thoracic aortic aneurysm and aortic dissection (TAAD). Also called: Thoracic aortic aneurysms and dissections. Identifiers: Orphanet 91387, MedGen C4707243, MONDO:0019625.

Submission:

Color Diagnostics, LLC DBA Color Health
Classification: Uncertain significance for Familial thoracic aortic aneurysm and aortic dissection. Last evaluated: 2024-10-28. Review status: criteria provided, single submitter. Criteria: ACMG Guidelines, 2015. Collection method: clinical testing. Allele origin: germline.
Comment: This missense variant replaces glutamine with glutamic acid at codon 242 of the SMAD3 protein. Computational prediction is inconclusive regarding the impact of this variant on protein structure and function (internally defined REVEL score threshold 0.5 < inconclusive < 0.7, PMID: 27666373). To our knowledge, functional studies have not been reported for this variant. This variant has not been reported in individuals affected with SMAD3-related disorders in the literature. This variant has not been identified in the general population by the Genome Aggregation Database (gnomAD). The available evidence is insufficient to determine the role of this variant in disease conclusively. Therefore, this variant is classified as a Variant of Uncertain Significance.